The following is an entry in ClinVar:

ClinVar aggregate classification (germline): Uncertain significance (1 of 4 stars; one submission).

Submission:

GeneDx
Classification: Uncertain significance. Last evaluated: 2024-01-18. Review status: criteria provided, single submitter. Criteria: GeneDx Variant Classification Process June 2021. Collection method: clinical testing. Allele origin: germline. Affected: yes.
Comment: Not observed at significant frequency in large population cohorts (gnomAD); In silico analysis supports that this missense variant does not alter protein structure/function; In silico analysis suggests this variant may impact gene splicing. In the absence of RNA/functional studies, the actual effect of this sequence change is unknown.; Has not been previously published as pathogenic or benign to our knowledge

NM_001200.4(BMP2):c.25C>A (p.Leu9Ile)

Gene: BMP2 (bone morphogenetic protein 2; plus strand). Cytogenetic location: 20p12.3.
Variant type: single nucleotide variant.
Coding change: c.25C>A on transcript NM_001200.4 (MANE Select); coding-DNA position 25, C replaced by A.
Protein change: p.Leu9Ile; replaces leucine 9 with isoleucine.
Molecular consequence: missense variant.
Genome position (GRCh38, 1-based): chr20:6,770,151, C>A. VCF-style: chr20-6770151-C-A. GRCh37 (hg19) VCF-style: chr20-6750798-C-A.
Other names: short protein forms L9I.
Identifiers: ClinVar variation 3368072 (VCV003368072.1).